The following is an entry in ClinVar:

NM_198282.4(STING1):c.1000C>T (p.Arg334Trp)

Gene: STING1 (stimulator of interferon response cGAMP interactor 1; minus strand). Cytogenetic location: 5q31.2.
Variant type: single nucleotide variant.
Coding change: c.1000C>T on transcript NM_198282.4 (MANE Select); coding-DNA position 1000, C replaced by T.
Protein change: p.Arg334Trp; replaces arginine 334 with tryptophan.
Molecular consequence: missense variant. On other transcripts: synonymous variant (1).
Genome position (GRCh38, 1-based): chr5:139,476,401, G>A on the plus strand (C>T on the coding strand, the complement: STING1 is on the minus strand). VCF-style: chr5-139476401-G-A. GRCh37 (hg19) VCF-style: chr5-138855986-G-A.
Other names: c.1000C>T, p.Arg334Trp (LRG_1308t1); c.813C>T, p.Cys271= (NM_001301738.2); c.643C>T, p.Arg215Trp (NM_001367258.1); short protein forms R215W, R334W.
Identifiers: ClinVar variation 657875 (VCV000657875.9), dbSNP rs1197819878, ClinGen allele CA361479263.

ClinVar aggregate classification (germline): Uncertain significance (1 of 4 stars; one submission).

Conditions:
STING-associated vasculopathy with onset in infancy. Also called: Sting-associated vasculopathy, infantile-onset. Identifiers: Orphanet 425120, MedGen C4014722, MONDO:0014405, OMIM 615934.

Allele frequency attached by ClinVar (database versions not stated): gnomAD 0.00001 and 0.00003; gnomAD exomes below 0.00001; TOPMed 0.00001.

Submission:

Labcorp Genetics (formerly Invitae), Labcorp
Classification: Uncertain significance for STING-associated vasculopathy with onset in infancy. Last evaluated: 2021-12-20. Review status: criteria provided, single submitter. Criteria: Invitae Variant Classification Sherloc (09022015). Collection method: clinical testing. Allele origin: germline.
Comment: ClinVar contains an entry for this variant (Variation ID: 657875). This variant has not been reported in the literature in individuals affected with TMEM173-related conditions. This variant is present in population databases (no rsID available, gnomAD 0.002%). This sequence change replaces arginine, which is basic and polar, with tryptophan, which is neutral and slightly polar, at codon 334 of the TMEM173 protein (p.Arg334Trp). Algorithms developed to predict the effect of missense changes on protein structure and function are either unavailable or do not agree on the potential impact of this missense change (SIFT: "Deleterious"; PolyPhen-2: "Probably Damaging"; Align-GVGD: "Class C0"). In summary, the available evidence is currently insufficient to determine the role of this variant in disease. Therefore, it has been classified as a Variant of Uncertain Significance.